The following is an entry in ClinVar:

ClinVar aggregate classification (germline): Uncertain significance. Review status: criteria provided, multiple submitters, no conflicts (2 of 4 stars). 2 submissions from 2 submitters: Uncertain significance (2). Last evaluated 2025-01-08.

Conditions:
Inborn genetic diseases. Identifiers: MedGen C0950123, MeSH D030342.

Allele frequency attached by ClinVar (database versions not stated): gnomAD 0.00001; TOPMed 0.00002.

Submissions (2):

Ambry Genetics
Classification: Uncertain significance for Inborn genetic diseases. Last evaluated: 2025-01-08. Review status: criteria provided, single submitter. Criteria: Ambry Variant Classification Scheme 2023. Collection method: clinical testing. Allele origin: germline.

Labcorp Genetics (formerly Invitae), Labcorp
Classification: Uncertain significance. Last evaluated: 2022-02-05. Review status: criteria provided, single submitter. Criteria: Invitae Variant Classification Sherloc (09022015). Collection method: clinical testing. Allele origin: germline.
Comment: This sequence change replaces isoleucine, which is neutral and non-polar, with valine, which is neutral and non-polar, at codon 542 of the SLC25A12 protein (p.Ile542Val). This variant is not present in population databases (gnomAD no frequency). This variant has not been reported in the literature in individuals affected with SLC25A12-related conditions. Algorithms developed to predict the effect of missense changes on protein structure and function (SIFT, PolyPhen-2, Align-GVGD) all suggest that this variant is likely to be tolerated. In summary, the available evidence is currently insufficient to determine the role of this variant in disease. Therefore, it has been classified as a Variant of Uncertain Significance.

NM_003705.5(SLC25A12):c.1624A>G (p.Ile542Val)

Gene: SLC25A12 (solute carrier family 25 member 12; minus strand). Cytogenetic location: 2q31.1.
Variant type: single nucleotide variant.
Coding change: c.1624A>G on transcript NM_003705.5 (MANE Select); coding-DNA position 1624, A replaced by G.
Protein change: p.Ile542Val; replaces isoleucine 542 with valine.
Molecular consequence: missense variant. On other transcripts: non-coding transcript variant (1).
Genome position (GRCh38, 1-based): chr2:171,787,909, T>C on the plus strand (A>G on the coding strand, the complement: SLC25A12 is on the minus strand). VCF-style: chr2-171787909-T-C. GRCh37 (hg19) VCF-style: chr2-172644419-T-C.
Other names: c.1624A>G (NM_003705.3); short protein forms I542V.
Identifiers: ClinVar variation 1414725 (VCV001414725.6), dbSNP rs1056421102, ClinGen allele CA60654505.
Genomic context (GRCh38, chr2:171,787,909, plus strand): 5'-CGATGACACCACTGTATGTCGTCTGGCCAGCGCGGGCAGCCACCTGCAGTCTTGTCTTGA[T>C]GACATCAGCAGGGGTCACCAGAGATGCAGCTGGGACACCTTTCAGGAGAAAACCACATTT-3'
Protein context (NP_003696.2, residues 532-552): AASLVTPADV[Ile542Val]KTRLQVAARA